The following is an entry in ClinVar:

NM_000094.4(COL7A1):c.7511G>A (p.Arg2504His)

Gene: COL7A1 (collagen type VII alpha 1 chain; minus strand). Cytogenetic location: 3p21.31.
Variant type: single nucleotide variant.
Coding change: c.7511G>A on transcript NM_000094.4 (MANE Select); coding-DNA position 7511, G replaced by A.
Protein change: p.Arg2504His; replaces arginine 2504 with histidine.
Molecular consequence: missense variant.
Genome position (GRCh38, 1-based): chr3:48,569,890, C>T on the plus strand (G>A on the coding strand, the complement: COL7A1 is on the minus strand). VCF-style: chr3-48569890-C-T. GRCh37 (hg19) VCF-style: chr3-48607323-C-T.
Other names: short protein forms R2504H.
Identifiers: ClinVar variation 2742060 (VCV002742060.3), dbSNP rs747583483, ClinGen allele CA2378462.
Genomic context (GRCh38, chr3:48,569,890, plus strand): 5'-AAGATCCACTCACCCCCCCACTCATGCCAGGACCTTCCCCACGTTCCTACCTTCTCCCCA[C>T]GCTCTCCCCTGCTGCCAGGGGGCCCCTGTGTGAGAGAAGGTGACCGTGAGCTACAGGAAC-3'
Protein context (NP_000085.1, residues 2494-2514): LTGPPGSRGE[Arg2504His]GEKGDVGSAG

ClinVar aggregate classification (germline): Uncertain significance (1 of 4 stars; one submission).

Allele frequency attached by ClinVar (database versions not stated): gnomAD 0.00001; ExAC 0.00001.
gnomAD v4.1: 72 of 1,614,014 alleles (0.0045%); highest among the groups gnomAD compares: Non-Finnish European, 0.0059%; no homozygotes.

Submission:

Labcorp Genetics (formerly Invitae), Labcorp
Classification: Uncertain significance. Last evaluated: 2025-04-11. Review status: criteria provided, single submitter. Criteria: Invitae Variant Classification Sherloc (09022015). Collection method: clinical testing. Allele origin: germline.
Comment: This sequence change replaces arginine, which is basic and polar, with histidine, which is basic and polar, at codon 2504 of the COL7A1 protein (p.Arg2504His). This variant is present in population databases (rs747583483, gnomAD 0.006%). This variant has not been reported in the literature in individuals affected with COL7A1-related conditions. ClinVar contains an entry for this variant (Variation ID: 2742060). Invitae Evidence Modeling of protein sequence and biophysical properties (such as structural, functional, and spatial information, amino acid conservation, physicochemical variation, residue mobility, and thermodynamic stability) indicates that this missense variant is not expected to disrupt COL7A1 protein function with a negative predictive value of 95%. In summary, the available evidence is currently insufficient to determine the role of this variant in disease. Therefore, it has been classified as a Variant of Uncertain Significance.